The following is an entry in ClinVar:

ClinVar aggregate classification (germline): Benign/Likely benign. Review status: criteria provided, multiple submitters, no conflicts (2 of 4 stars). 3 submissions from 3 submitters: Benign (1); Likely benign (1). 1 of the submissions does not count toward it. Last evaluated 2025-12-13.

Conditions:
ARID1A-related disorder. Also called: ARID1A-related condition.

Allele frequency attached by ClinVar (database versions not stated): TOPMed 0.00004; gnomAD 0.00021 and 0.00022; gnomAD exomes 0.00041; ExAC 0.00058.

Submissions (3):

Labcorp Genetics (formerly Invitae), Labcorp
Classification: Benign. Last evaluated: 2025-12-13. Review status: criteria provided, single submitter. Criteria: Invitae Variant Classification Sherloc (09022015). Collection method: clinical testing. Allele origin: germline.

Blueprint Genetics
Classification: Likely benign. Last evaluated: 2024-10-04. Review status: criteria provided, single submitter. Criteria: ACMG Guidelines, 2015. Collection method: clinical testing. Allele origin: germline.

PreventionGenetics, part of Exact Sciences
Classification: Likely benign for ARID1A-related condition. Last evaluated: 2019-06-10. Review status: no assertion criteria provided. Collection method: clinical testing. Allele origin: germline. Not counted in ClinVar's aggregate classification.
Comment: This variant is classified as likely benign based on ACMG/AMP sequence variant interpretation guidelines (Richards et al. 2015 PMID: 25741868, with internal and published modifications).

NM_006015.6(ARID1A):c.1597C>T (p.Pro533Ser)

Gene: ARID1A (AT-rich interaction domain 1A; plus strand). Cytogenetic location: 1p36.11.
Variant type: single nucleotide variant.
Coding change: c.1597C>T on transcript NM_006015.6 (MANE Select); coding-DNA position 1597, C replaced by T.
Protein change: p.Pro533Ser; replaces proline 533 with serine.
Molecular consequence: missense variant.
Genome position (GRCh38, 1-based): chr1:26,731,398, C>T. VCF-style: chr1-26731398-C-T. GRCh37 (hg19) VCF-style: chr1-27057889-C-T.
Other names: c.1597C>T, p.Pro533Ser (NM_139135.4); short protein forms P533S.
Identifiers: ClinVar variation 722599 (VCV000722599.10), dbSNP rs200572766, ClinGen allele CA706803.
Genomic context (GRCh38, chr1:26,731,398, plus strand): 5'-TCCTCTCAGCCTCCATACTCCCAGCAGCCATCCCAGCCTCCACATCAGCAGTCCCCGGCT[C>T]CATACCCCTCCCAGCAGTCGACGACACAGCAGCACCCCCAGAGCCAGCCCCCCTACTCAC-3'
Protein context (NP_006006.3, residues 523-543): SQPPHQQSPA[Pro533Ser]YPSQQSTTQQ